The following is an entry in ClinVar:

ClinVar aggregate classification (germline): Uncertain significance (1 of 4 stars; one submission).

Conditions:
Frasier syndrome. Identifiers: Orphanet 347, MedGen C0950122, MeSH D052159, MONDO:0007635, OMIM 136680.
Drash syndrome (DDS). Also called: NEPHROPATHY, WILMS TUMOR, AND GENITAL ANOMALIES; WILMS TUMOR AND PSEUDO- OR TRUE HERMAPHRODITISM. Identifiers: Orphanet 220, MedGen C0950121, MONDO:0008682, OMIM 194080.
Wilms tumor 1 (WT1). Also called: Wilms tumor, somatic. Identifiers: Orphanet 654, MedGen CN033288, MONDO:0008679, OMIM 194070.
11p partial monosomy syndrome (WAGR). Also called: WAGR Spectrum Disorder; WAGR syndrome; CHROMOSOME 11p13 DELETION SYNDROME; WAGR Complex. Identifiers: Orphanet 893, MedGen C0206115, MONDO:0008681, OMIM 194072.

gnomAD v4.1: 2 of 1,526,212 alleles (0.00013%); highest among the groups gnomAD compares: Non-Finnish European, 0.00018%; no homozygotes.

Submission:

Labcorp Genetics (formerly Invitae), Labcorp
Classification: Uncertain significance for Wilms tumor 1; Drash syndrome; 11p partial monosomy syndrome; Frasier syndrome. Last evaluated: 2021-07-21. Review status: criteria provided, single submitter. Criteria: Invitae Variant Classification Sherloc (09022015). Collection method: clinical testing. Allele origin: germline.
Comment: The frequency data for this variant in the population databases is considered unreliable, as metrics indicate insufficient coverage at this position in the ExAC database. In summary, the available evidence is currently insufficient to determine the role of this variant in disease. Therefore, it has been classified as a Variant of Uncertain Significance. Algorithms developed to predict the effect of missense changes on protein structure and function are either unavailable or do not agree on the potential impact of this missense change (SIFT: "Deleterious"; PolyPhen-2: "Benign"; Align-GVGD: "Class C0"). This variant has not been reported in the literature in individuals affected with WT1-related conditions. This sequence change replaces glutamine with histidine at codon 54 of the WT1 protein (p.Gln54His). The glutamine residue is weakly conserved and there is a small physicochemical difference between glutamine and histidine.

NM_024426.6(WT1):c.177G>C (p.Gln59His)

Genes: WT1 (WT1 transcription factor; minus strand), LOC107982234 (WT1/WT1-AS bi-directional promoter region; plus strand). Cytogenetic location: 11p13.
Variant type: single nucleotide variant.
Coding change: c.177G>C on transcript NM_024426.6 (MANE Select); coding-DNA position 177, G replaced by C.
Protein change: p.Gln59His; replaces glutamine 59 with histidine.
Molecular consequence: missense variant. On other transcripts: non-coding transcript variant (1).
Genome position (GRCh38, 1-based): chr11:32,435,184, C>G on the plus strand (G>C on the coding strand, the complement: WT1 is on the minus strand). VCF-style: chr11-32435184-C-G. GRCh37 (hg19) VCF-style: chr11-32456730-C-G.
Other names: c.177G>C, p.Gln59His (NM_000378.6, NM_024424.5); short protein forms Q59H.
Identifiers: ClinVar variation 1518459 (VCV001518459.8), dbSNP rs1311704660, ClinGen allele CA379966223.